The following is an entry in ClinVar:

NM_006721.4(ADK):c.1012C>T (p.Arg338Cys)

Gene: ADK (adenosine kinase; plus strand). Cytogenetic location: 10q22.2.
Variant type: single nucleotide variant.
Coding change: c.1012C>T on transcript NM_006721.4 (MANE Select); coding-DNA position 1012, C replaced by T.
Protein change: p.Arg338Cys; replaces arginine 338 with cysteine.
Molecular consequence: missense variant. On other transcripts: 3 prime UTR variant (1).
Genome position (GRCh38, 1-based): chr10:74,708,368, C>T. VCF-style: chr10-74708368-C-T. GRCh37 (hg19) VCF-style: chr10-76468126-C-T.
Other names: c.961C>T, p.Arg321Cys (NM_001123.4); c.907C>T, p.Arg303Cys (NM_001202449.2); c.841C>T, p.Arg281Cys (NM_001202450.2); c.*12C>T (NM_001369123.1); c.790C>T, p.Arg264Cys (NM_001369124.1); c.1012C>T (NM_006721.3); short protein forms R281C, R338C, R264C, R303C, R321C.
Identifiers: ClinVar variation 1959714 (VCV001959714.5), dbSNP rs766436249, ClinGen allele CA5564137.

ClinVar aggregate classification (germline): Uncertain significance. Review status: criteria provided, multiple submitters, no conflicts (2 of 4 stars). 2 submissions from 2 submitters: Uncertain significance (2). Last evaluated 2024-01-12.

Conditions:
Inborn genetic diseases. Identifiers: MedGen C0950123, MeSH D030342.

Allele frequency attached by ClinVar (database versions not stated): ExAC 0.00001; gnomAD 0.00001; gnomAD exomes 0.00001; TOPMed 0.00003.
gnomAD v4.1: 19 of 1,612,438 alleles (0.0012%); highest among the groups gnomAD compares: Admixed American, 0.012%; no homozygotes.

Submissions (2):

Ambry Genetics
Classification: Uncertain significance for Inborn genetic diseases. Last evaluated: 2024-01-12. Review status: criteria provided, single submitter. Criteria: Ambry Variant Classification Scheme 2023. Collection method: clinical testing. Allele origin: germline.

Labcorp Genetics (formerly Invitae), Labcorp
Classification: Uncertain significance. Last evaluated: 2022-07-07. Review status: criteria provided, single submitter. Criteria: Invitae Variant Classification Sherloc (09022015). Collection method: clinical testing. Allele origin: germline.
Comment: This sequence change replaces arginine, which is basic and polar, with cysteine, which is neutral and slightly polar, at codon 321 of the ADK protein (p.Arg321Cys). This variant is present in population databases (rs766436249, gnomAD 0.01%). This variant has not been reported in the literature in individuals affected with ADK-related conditions. Algorithms developed to predict the effect of missense changes on protein structure and function are either unavailable or do not agree on the potential impact of this missense change (SIFT: "Deleterious"; PolyPhen-2: "Benign"; Align-GVGD: "Class C0"). In summary, the available evidence is currently insufficient to determine the role of this variant in disease. Therefore, it has been classified as a Variant of Uncertain Significance.